The following is an entry in ClinVar:

ClinVar aggregate classification (germline): Uncertain significance (1 of 4 stars; one submission).

Conditions:
NRP1-related disorder. Also called: NRP1-related condition.

gnomAD v4.1: 94 of 1,606,914 alleles (0.0058%); highest among the groups gnomAD compares: Non-Finnish European, 0.0076%; no homozygotes.

Submission:

PreventionGenetics, part of Exact Sciences
Classification: Uncertain significance for NRP1-related condition. Last evaluated: 2025-06-23. Review status: criteria provided, single submitter. Criteria: ACMG Guidelines, 2015. Collection method: clinical testing. Allele origin: germline.
Comment: The NRP1 c.1906G>A variant is predicted to result in the amino acid substitution p.Asp636Asn. To our knowledge, this variant has not been reported in the literature. This variant is reported in 0.0071% of alleles in individuals of European (Non-Finnish) descent in gnomAD. At this time, the clinical significance of this variant is uncertain due to the absence of conclusive functional and genetic evidence.

NM_003873.7(NRP1):c.1906G>A (p.Asp636Asn)

Gene: NRP1 (neuropilin 1; minus strand). Cytogenetic location: 10p11.22.
Variant type: single nucleotide variant.
Coding change: c.1906G>A on transcript NM_003873.7 (MANE Select); coding-DNA position 1906, G replaced by A.
Protein change: p.Asp636Asn; replaces aspartic acid 636 with asparagine.
Molecular consequence: missense variant. On other transcripts: non-coding transcript variant (1).
Genome position (GRCh38, 1-based): chr10:33,197,668, C>T on the plus strand (G>A on the coding strand, the complement: NRP1 is on the minus strand). VCF-style: chr10-33197668-C-T. GRCh37 (hg19) VCF-style: chr10-33486596-C-T.
Other names: c.1906G>A, p.Asp636Asn (NM_001024628.3, NM_001330068.2); c.1801G>A, p.Asp601Asn (NM_001024629.3); c.1885G>A, p.Asp629Asn (NM_001244972.2, NM_001244973.2); short protein forms D601N, D629N, D636N.
Identifiers: ClinVar variation 3352147 (VCV003352147.2).
Genomic context (GRCh38, chr10:33,197,668, plus strand): 5'-GAGGTACATGGAATCTGTCACATTTCGTATTTTATTTGATACCTGATTGTATGGTGCTGT[C>T]TATGACCGTGGGCTTTTCTGTGGCCAGCACAGTGGTGCCACCTGAAAAACAAAAACAGGA-3'
Protein context (NP_003864.5, residues 626-646): VLATEKPTVI[Asp636Asn]STIQSEFPTY